The following is an entry in ClinVar:

NM_012281.3(KCND2):c.1004T>C (p.Ile335Thr)

Gene: KCND2 (potassium voltage-gated channel subfamily D member 2; plus strand). Cytogenetic location: 7q31.31.
Variant type: single nucleotide variant.
Coding change: c.1004T>C on transcript NM_012281.3 (MANE Select); coding-DNA position 1004, T replaced by C.
Protein change: p.Ile335Thr; replaces isoleucine 335 with threonine.
Molecular consequence: missense variant.
Genome position (GRCh38, 1-based): chr7:120,275,636, T>C. VCF-style: chr7-120275636-T-C. GRCh37 (hg19) VCF-style: chr7-119915690-T-C.
Other names: short protein forms I335T.
Identifiers: ClinVar variation 3651440 (VCV003651440.2).

ClinVar aggregate classification (germline): Uncertain significance (1 of 4 stars; one submission).

Conditions:
Early Myoclonic Encephalopathy. Identifiers: MedGen C0270855.

Submission:

Labcorp Genetics (formerly Invitae), Labcorp
Classification: Uncertain significance for Early Myoclonic Encephalopathy. Last evaluated: 2024-04-29. Review status: criteria provided, single submitter. Criteria: Invitae Variant Classification Sherloc (09022015). Collection method: clinical testing. Allele origin: germline.
Comment: This sequence change replaces isoleucine, which is neutral and non-polar, with threonine, which is neutral and polar, at codon 335 of the KCND2 protein (p.Ile335Thr). This variant is not present in population databases (gnomAD no frequency). This variant has not been reported in the literature in individuals affected with KCND2-related conditions. Advanced modeling of protein sequence and biophysical properties (such as structural, functional, and spatial information, amino acid conservation, physicochemical variation, residue mobility, and thermodynamic stability) has been performed at Invitae for this missense variant, however the output from this modeling did not meet the statistical confidence thresholds required to predict the impact of this variant on KCND2 protein function. In summary, the available evidence is currently insufficient to determine the role of this variant in disease. Therefore, it has been classified as a Variant of Uncertain Significance.